The following is an entry in ClinVar:

ClinVar aggregate classification (germline): Uncertain significance (1 of 4 stars; one submission).

Conditions:
ABL1-related congenital heart defects and skeletal malformations syndrome.

Submission:

Illumina Laboratory Services, Illumina
Classification: Uncertain significance for ABL1-related congenital heart defects and skeletal malformations syndrome. Last evaluated: 2022-06-17. Review status: criteria provided, single submitter. Criteria: ICSLVariantClassificationCriteria RUGD 01 April 2020. Collection method: clinical testing. Allele origin: unknown.
Comment: The ABL1 c.939A>T (p.Lys313Asn) missense variant results in the substitution of lysine at amino acid position 313 with asparagine. To our knowledge, this variant has not been reported in the peer-reviewed literature. This variant is located in the kinase domain where other missense variants classified as likely pathogenic have been reported (Wang et al. 2017; Blakes et al. 2021). A different change at this codon, p.Lys313Glu, has been reported to result in an increased autophosphorylation of the ABL1 protein (Barilá and Superti-Furga, 1998). This variant is not found in version 2.1.1 or version 3.1.2 of the Genome Aggregation Database. Based on the available evidence, the c.939A>T (p.Lys313Asn) variant is classified as a variant of uncertain significance for ABL1-related congenital heart defects and skeletal malformations syndrome.

Literature cited by the submitters: PubMed 28288113; PubMed 32461654; PubMed 33223528; PubMed 9500553.

NM_005157.6(ABL1):c.882A>T (p.Lys294Asn)

Gene: ABL1 (ABL proto-oncogene 1, non-receptor tyrosine kinase; plus strand). Cytogenetic location: 9q34.12.
Variant type: single nucleotide variant.
Coding change: c.882A>T on transcript NM_005157.6 (MANE Select); coding-DNA position 882, A replaced by T.
Protein change: p.Lys294Asn; replaces lysine 294 with asparagine.
Molecular consequence: missense variant.
Genome position (GRCh38, 1-based): chr9:130,872,188, A>T. VCF-style: chr9-130872188-A-T. GRCh37 (hg19) VCF-style: chr9-133747575-A-T.
Other names: c.939A>T, p.Lys313Asn (NM_007313.3); short protein forms K294N, K313N.
Identifiers: ClinVar variation 1803717 (VCV001803717.3), dbSNP rs2490715497, ClinGen allele CA375249277.